The following is an entry in ClinVar:

NM_007373.4(SHOC2):c.730G>T (p.Asp244Tyr)

Gene: SHOC2 (SHOC2 leucine rich repeat scaffold protein; plus strand). Cytogenetic location: 10q25.2.
Variant type: single nucleotide variant.
Coding change: c.730G>T on transcript NM_007373.4 (MANE Select); coding-DNA position 730, G replaced by T.
Protein change: p.Asp244Tyr; replaces aspartic acid 244 with tyrosine.
Molecular consequence: missense variant. On other transcripts: 5 prime UTR variant (2), non-coding transcript variant (1), intron variant (3).
Genome position (GRCh38, 1-based): chr10:110,985,654, G>T. VCF-style: chr10-110985654-G-T. GRCh37 (hg19) VCF-style: chr10-112745412-G-T.
Other names: c.730G>T, p.Asp244Tyr (NM_001324336.2, NM_001324337.2, NM_001441184.1 and 2 more transcripts); c.61G>T, p.Asp21Tyr (NM_001441188.1); c.-354G>T (NM_001441190.1); c.-223G>T (NM_001441191.1); c.704-14761G>T (NM_001441186.1, NM_001269039.3); c.-242-14761G>T (NM_001441189.1); short protein forms D21Y, D244Y.
Identifiers: ClinVar variation 4740843 (VCV004740843.1).
Genomic context (GRCh38, chr10:110,985,654, plus strand): 5'-TGCTTATTGAATTTTTATGTTGGTCAATTTACAGGTGAATTATGTAACCTCATTACGCTG[G>T]ATGTAGCTCACAATCAACTTGAACACCTTCCAAAGGAGATTGGAAACTGTACACAGATAA-3'
Protein context (NP_031399.2, residues 234-254): IGELCNLITL[Asp244Tyr]VAHNQLEHLP

ClinVar aggregate classification (germline): Uncertain significance (1 of 4 stars; one submission).

Conditions:
RASopathy. Also called: Noonan spectrum disorder; rasopathies. Identifiers: Orphanet 536391, MedGen C5555857, MONDO:0021060.

Submission:

Labcorp Genetics (formerly Invitae), Labcorp
Classification: Uncertain significance for RASopathy. Last evaluated: 2025-08-17. Review status: criteria provided, single submitter. Criteria: Invitae Variant Classification Sherloc (09022015). Collection method: clinical testing. Allele origin: germline.
Comment: This sequence change replaces aspartic acid, which is acidic and polar, with tyrosine, which is neutral and polar, at codon 244 of the SHOC2 protein (p.Asp244Tyr). This variant is not present in population databases (gnomAD no frequency). This variant has not been reported in the literature in individuals affected with SHOC2-related conditions. Invitae Evidence Modeling of protein sequence and biophysical properties (such as structural, functional, and spatial information, amino acid conservation, physicochemical variation, residue mobility, and thermodynamic stability) has been performed for this missense variant. However, the output from this modeling did not meet the statistical confidence thresholds required to predict the impact of this variant on SHOC2 protein function. In summary, the available evidence is currently insufficient to determine the role of this variant in disease. Therefore, it has been classified as a Variant of Uncertain Significance.